The following is an entry in ClinVar:

ClinVar aggregate classification (germline): Likely pathogenic. Review status: reviewed by expert panel (3 of 4 stars). 3 submissions from 3 submitters: Likely pathogenic (1). 2 of the submissions do not count toward it. Last evaluated 2023-09-14.

Conditions:
Creatine transporter deficiency (CCDS1). Also called: Creatine Transporter (CRTR) Deficiency; Mental retardation , X-linked with seizures, short stature and midface hypoplasia; Mental retardation , X-linked, with creatine transport deficiency; X-linked creatine transporter deficiency; X-linked creatine deficiency syndrome; SLC6A8-Related Creatine Transporter Deficiency. Identifiers: Orphanet 52503, MedGen C1845862, MONDO:0010305, OMIM 300352.

Submissions (3):

ClinGen Cerebral Creatine Deficiency Syndromes Variant Curation Expert Panel, ClinGen
Classification: Likely pathogenic for Creatine transporter deficiency. Last evaluated: 2023-09-14. Review status: reviewed by expert panel. Criteria: ClinGen_CCDS_ACMG_Specifications_SLC6A8_v1.1. Collection method: curation. Allele origin: germline. Inheritance: X-linked inheritance.
Comment: The NM_005629.4:c.1396G>A variant in SLC6A8 is a missense variant that is predicted to result in the substitution of glycine by arginine at amino acid 466 (p.Gly466Arg). The variant was shown to segregate in a family from a heterozygous grandmother with mild intellectual disability to one affected daughter who had one affected daughter and one affected son; a clinically unaffected granddaughter did not harbor the variant (PMID: 24190795) (PP1_Moderate). The variant is absent in gnomAD v2.1.1. (PM2_Supporting). When expressed in HEK-293T cells, this variant was found to reduce cellular creatine transport activity (PMID: 32207963), but this study does not meet the specifications of the CCDS VCEP for assessment of cellular creatine transporter activity (must be done in SLC6A8-deficient fibroblasts with <125 mM creatine); hence, this cannot be used as evidence for PS3. The computational predictor REVEL gives a score of 0.95 which is above the threshold of 0.75, evidence that correlates with impact to SLC6A8 function (PP3). There is a ClinVar entry for this variant (Variation ID: 804101). In summary, this variant meets criteria to be classified as likely pathogenic for creatine transporter deficiency. SLC6A8-specific criteria applied, as specified by the ClinGen CCDS VCEP (Specifications Version 1.1.0): PP1_Moderate, PP4_Strong, PP3, PM2_Supporting, PS4_Supporting. (Classification approved by the ClinGen Cerebral Creatine Deficiency Syndromes Variant Curation Expert Panel on September 14, 2023).

Labcorp Genetics (formerly Invitae), Labcorp
Classification: Pathogenic for Creatine transporter deficiency. Last evaluated: 2024-02-23. Review status: criteria provided, single submitter. Criteria: Invitae Variant Classification Sherloc (09022015). Collection method: clinical testing. Allele origin: germline. Not counted in ClinVar's aggregate classification.
Comment: This sequence change replaces glycine, which is neutral and non-polar, with arginine, which is basic and polar, at codon 466 of the SLC6A8 protein (p.Gly466Arg). This variant is not present in population databases (gnomAD no frequency). This missense change has been observed in individual(s) with clinical features of creatine transporter deficiency (PMID: 21140503, 24190795, 34050321). This variant is also known as p.Gly351Arg. ClinVar contains an entry for this variant (Variation ID: 804101). Advanced modeling of protein sequence and biophysical properties (such as structural, functional, and spatial information, amino acid conservation, physicochemical variation, residue mobility, and thermodynamic stability) performed at Invitae indicates that this missense variant is expected to disrupt SLC6A8 protein function with a positive predictive value of 95%. Experimental studies have shown that this missense change affects SLC6A8 function (PMID: 32207963). Algorithms developed to predict the effect of sequence changes on RNA splicing suggest that this variant may create or strengthen a splice site. For these reasons, this variant has been classified as Pathogenic.

Mendelics
Classification: Pathogenic for Creatine transporter deficiency. Last evaluated: 2019-05-28. Review status: criteria provided, single submitter. Criteria: Mendelics Assertion Criteria 2017. Collection method: clinical testing. Allele origin: unknown. Not counted in ClinVar's aggregate classification.

Literature cited by the submitters: PubMed 21140503 (cited by Labcorp Genetics (formerly Invitae), Labcorp); PubMed 24190795 (cited by Labcorp Genetics (formerly Invitae), Labcorp); PubMed 34050321 (cited by Labcorp Genetics (formerly Invitae), Labcorp); PubMed 32207963 (cited by Labcorp Genetics (formerly Invitae), Labcorp).

NM_005629.4(SLC6A8):c.1396G>A (p.Gly466Arg)

Gene: SLC6A8 (solute carrier family 6 member 8; plus strand). Cytogenetic location: Xq28.
Variant type: single nucleotide variant.
Coding change: c.1396G>A on transcript NM_005629.4 (MANE Select); coding-DNA position 1396, G replaced by A.
Protein change: p.Gly466Arg; replaces glycine 466 with arginine.
Molecular consequence: missense variant.
Genome position (GRCh38, 1-based): chrX:153,694,347, G>A. VCF-style: chrX-153694347-G-A. GRCh37 (hg19) VCF-style: chrX-152959802-G-A.
Other names: NM_005629.4(SLC6A8):c.1396G>A; p.Gly466Arg; c.1366G>A, p.Gly456Arg (NM_001142805.2); c.1051G>A, p.Gly351Arg (NM_001142806.1); short protein forms G466R, G351R, G456R.
Identifiers: ClinVar variation 804101 (VCV000804101.9), dbSNP rs1603217473, ClinGen allele CA415087229.
Genomic context (GRCh38, chrX:153,694,347, plus strand): 5'-TGCCTGTGACCTCTGGTGGCCGTCTGCCATCCTCCCTGACTGGGCTCTGTCCCCCAGGGC[G>A]GGATGTACGTCTTCCAGCTGTTTGACTACTACTCGGCCAGCGGCACCACCCTGCTCTGGC-3'
Protein context (NP_005620.1, residues 456-476): VIDLSMVTDG[Gly466Arg]MYVFQLFDYY